The following is an entry in ClinVar:

ClinVar aggregate classification (germline): Uncertain significance. Review status: criteria provided, multiple submitters, no conflicts (2 of 4 stars). 3 submissions from 3 submitters: Uncertain significance (2). 1 of the submissions does not count toward it. Last evaluated 2022-05-16.

Conditions:
Bardet-Biedl syndrome (BBS). Identifiers: Orphanet 110, MedGen C0752166, MONDO:0015229.
BBS9-related disorder. Also called: BBS9-related condition.
Bardet-Biedl syndrome 9 (BBS9). Identifiers: Orphanet 110, MedGen C1859567, MONDO:0014437, OMIM 615986.

Allele frequency attached by ClinVar (database versions not stated): gnomAD 0.00001; TOPMed 0.00001.
gnomAD v4.1: 34 of 1,612,768 alleles (0.0021%); highest among the groups gnomAD compares: Non-Finnish European, 0.0029%; no homozygotes.

Submissions (3):

Fulgent Genetics
Classification: Uncertain significance for Bardet-Biedl syndrome 9. Last evaluated: 2022-05-16. Review status: criteria provided, single submitter. Criteria: ACMG Guidelines, 2015. Collection method: clinical testing. Allele origin: unknown.

Labcorp Genetics (formerly Invitae), Labcorp
Classification: Uncertain significance for Bardet-Biedl syndrome. Last evaluated: 2021-11-11. Review status: criteria provided, single submitter. Criteria: Invitae Variant Classification Sherloc (09022015). Collection method: clinical testing. Allele origin: germline.
Comment: This sequence change replaces isoleucine, which is neutral and non-polar, with serine, which is neutral and polar, at codon 41 of the BBS9 protein (p.Ile41Ser). This variant is present in population databases (no rsID available, gnomAD 0.007%). This variant has not been reported in the literature in individuals affected with BBS9-related conditions. ClinVar contains an entry for this variant (Variation ID: 1064082). Algorithms developed to predict the effect of missense changes on protein structure and function (SIFT, PolyPhen-2, Align-GVGD) all suggest that this variant is likely to be disruptive. In summary, the available evidence is currently insufficient to determine the role of this variant in disease. Therefore, it has been classified as a Variant of Uncertain Significance.

PreventionGenetics, part of Exact Sciences
Classification: Uncertain significance for BBS9-related condition. Last evaluated: 2024-04-30. Review status: no assertion criteria provided. Collection method: clinical testing. Allele origin: germline. Not counted in ClinVar's aggregate classification.
Comment: The BBS9 c.122T>G variant is predicted to result in the amino acid substitution p.Ile41Ser. To our knowledge, this variant has not been reported in the literature. This variant is reported in 0.0065% of alleles in individuals of European (Non-Finnish) descent in gnomAD. At this time, the clinical significance of this variant is uncertain due to the absence of conclusive functional and genetic evidence.

NM_198428.3(BBS9):c.122T>G (p.Ile41Ser)

Gene: BBS9 (Bardet-Biedl syndrome 9; plus strand). Cytogenetic location: 7p14.3.
Variant type: single nucleotide variant.
Coding change: c.122T>G on transcript NM_198428.3 (MANE Select); coding-DNA position 122, T replaced by G.
Protein change: p.Ile41Ser; replaces isoleucine 41 with serine.
Molecular consequence: missense variant. On other transcripts: non-coding transcript variant (3), intron variant (2), 5 prime UTR variant (5).
Genome position (GRCh38, 1-based): chr7:33,152,710, T>G. VCF-style: chr7-33152710-T-G. GRCh37 (hg19) VCF-style: chr7-33192322-T-G.
Other names: c.122T>G, p.Ile41Ser (NM_001033604.2, NM_001348040.3, NM_001348041.4 and 5 more transcripts); c.-39+22669T>G (NM_001348046.3, NM_001348044.3); c.-14T>G (NM_001348042.3); c.-180T>G (NM_001348045.3, NM_001348037.3); c.-156T>G (NM_001348038.3, NM_001348039.3); c.122T>G (NM_198428.2); short protein forms I41S.
Identifiers: ClinVar variation 1064082 (VCV001064082.8), dbSNP rs1381039813, ClinGen allele CA367190215.
Genomic context (GRCh38, chr7:33,152,710, plus strand): 5'-TTGCTAATGTTTGTTTCTCCCTCTATCTTTTTTTTTTTAAATTCTCTACAGATAAAATAA[T>G]TGTGGGTAGCTTTATGGGATACCTAAGGATCTTTAGCCCCCATCCTGCAAAAACAGGAGA-3'
Protein context (NP_940820.1, residues 31-51): DNSGNGQDKI[Ile41Ser]VGSFMGYLRI